The following is an entry in ClinVar:

ClinVar aggregate classification (germline): Uncertain significance (1 of 4 stars; one submission).

gnomAD v4.1: 3 of 1,613,080 alleles (0.00019%); highest among the groups gnomAD compares: Non-Finnish European, 0.00025%; no homozygotes.

Submission:

Women's Health and Genetics/Laboratory Corporation of America, LabCorp
Classification: Uncertain significance. Last evaluated: 2025-02-19. Review status: criteria provided, single submitter. Criteria: LabCorp Variant Classification Summary - May 2015. Collection method: clinical testing. Allele origin: germline.
Comment: Variant summary: TECTA c.3491C>T (p.Thr1164Ile) results in a non-conservative amino acid change located in the von Willebrand factor (vWF) type D domain (IPR001846) of the encoded protein sequence. Four of five in-silico tools predict a benign effect of the variant on protein function. The variant was absent in 249552 control chromosomes. The available data on variant occurrences in the general population are insufficient to allow any conclusion about variant significance. To our knowledge, no occurrence of c.3491C>T in individuals affected with Deafness, Autosomal Recessive 21 and no experimental evidence demonstrating its impact on protein function have been reported. No submitters have cited clinical-significance assessments for this variant to ClinVar. Based on the evidence outlined above, the variant was classified as uncertain significance.

NM_005422.4(TECTA):c.3491C>T (p.Thr1164Ile)

Genes: TBCEL-TECTA (TBCEL-TECTA readthrough; plus strand), TECTA (tectorin alpha; plus strand). Cytogenetic location: 11q23.3.
Variant type: single nucleotide variant.
Coding change: c.3491C>T on transcript NM_005422.4 (MANE Select); coding-DNA position 3491, C replaced by T.
Protein change: p.Thr1164Ile; replaces threonine 1164 with isoleucine.
Molecular consequence: missense variant.
Genome position (GRCh38, 1-based): chr11:121,137,970, C>T. VCF-style: chr11-121137970-C-T. GRCh37 (hg19) VCF-style: chr11-121008679-C-T.
Other names: c.4448C>T, p.Thr1483Ile (NM_001378761.1); short protein forms T1164I, T1483I.
Identifiers: ClinVar variation 3768969 (VCV003768969.1).